The following is an entry in ClinVar:

NM_017617.5(NOTCH1):c.4168C>A (p.Pro1390Thr)

Gene: NOTCH1 (notch receptor 1; minus strand). Cytogenetic location: 9q34.3.
Variant type: single nucleotide variant.
Coding change: c.4168C>A on transcript NM_017617.5 (MANE Select); coding-DNA position 4168, C replaced by A.
Protein change: p.Pro1390Thr; replaces proline 1390 with threonine.
Molecular consequence: missense variant.
Genome position (GRCh38, 1-based): chr9:136,505,728, G>T on the plus strand (C>A on the coding strand, the complement: NOTCH1 is on the minus strand). VCF-style: chr9-136505728-G-T. GRCh37 (hg19) VCF-style: chr9-139400180-G-T.
Other names: c.4168C>A, p.Pro1390Thr (LRG_1122t1); c.4168C>A (NM_017617.4); short protein forms P1390T.
Identifiers: ClinVar variation 134935 (VCV000134935.62), dbSNP rs191645600, ClinGen allele CA161197.
Genomic context (GRCh38, chr9:136,505,728, plus strand): 5'-GGCTCTCGGATGTGGGCTCACAGGTCCCCTGGTTGTAGCAGGGGTTGCCGCCCAGGCAGG[G>T]GCTGCTGGCCGGGAACTGGCATTCGGGGCCCGTGAAGGGGCCCAGGCACAGGCAGGTGGG-3'
Protein context (NP_060087.3, residues 1380-1400): GPECQFPASS[Pro1390Thr]CLGGNPCYNQ

ClinVar aggregate classification (germline): Conflicting classifications of pathogenicity. Review status: criteria provided, conflicting classifications (1 of 4 stars). 17 submissions from 17 submitters: Uncertain significance (3); Likely benign (10). 4 of the submissions do not count toward it. Last evaluated 2026-03-01.

Conditions:
Connective tissue disorder. Also called: Connective tissue disease. Identifiers: MedGen C0009782, MONDO:0003900.
NOTCH1-related disorder. Also called: NOTCH1-related condition; NOTCH1-related disorders.
Adams-Oliver syndrome 5 (AOS5). Identifiers: Orphanet 974, MedGen C4014970, MONDO:0014459, OMIM 616028.
Aortic valve disease 1 (AOVD1). Identifiers: MedGen C3887892, MONDO:0024523, OMIM 109730.
Familial thoracic aortic aneurysm and aortic dissection (TAAD). Also called: Thoracic aortic aneurysms and dissections. Identifiers: Orphanet 91387, MedGen C4707243, MONDO:0019625.
Abnormal heart morphology. Also called: Abnormality of cardiac morphology; Heart, malformation of. Identifiers: MedGen C0018798, MeSH D006330, HP:0001627.

Allele frequency attached by ClinVar (database versions not stated): gnomAD 0.00061 and 0.00058; ExAC 0.00062; TOPMed 0.00065; 1000 Genomes Project 30x 0.00016; 1000 Genomes Project 0.00020; gnomAD exomes 0.00058.
gnomAD v4.1: 1,818 of 1,595,712 alleles (0.11%); highest among the groups gnomAD compares: Non-Finnish European, 0.15%; 3 homozygotes.

Submissions (17):

CeGaT Center for Human Genetics Tuebingen
Classification: Likely benign. Last evaluated: 2026-03-01. Review status: criteria provided, single submitter. Criteria: CeGaT Center For Human Genetics Tuebingen Variant Classification Criteria Version 2. Collection method: clinical testing. Allele origin: germline. Affected: yes. Observed: 5 variant alleles.
Comment: NOTCH1: BS1

Labcorp Genetics (formerly Invitae), Labcorp
Classification: Likely benign for Adams-Oliver syndrome 5. Last evaluated: 2026-02-02. Review status: criteria provided, single submitter. Criteria: Invitae Variant Classification Sherloc (09022015). Collection method: clinical testing. Allele origin: germline.

Mayo Clinic Laboratories, Mayo Clinic
Classification: Likely benign. Last evaluated: 2025-10-16. Review status: criteria provided, single submitter. Criteria: ACMG Guidelines, 2015. Collection method: clinical testing. Allele origin: germline. Observed: 5 variant alleles.
Comment: BS1, BP4

Ambry Genetics
Classification: Likely benign for Familial thoracic aortic aneurysm and aortic dissection. Last evaluated: 2025-08-29. Review status: criteria provided, single submitter. Criteria: Ambry Variant Classification Scheme 2023. Collection method: clinical testing. Allele origin: germline.

ARUP Laboratories, Molecular Genetics and Genomics, ARUP Laboratories
Classification: Likely benign. Last evaluated: 2025-06-18. Review status: criteria provided, single submitter. Criteria: ARUP Molecular Germline Variant Investigation Process 2024. Collection method: clinical testing. Allele origin: germline.

Blueprint Genetics
Classification: Likely benign. Last evaluated: 2024-10-21. Review status: criteria provided, single submitter. Criteria: ACMG Guidelines, 2015. Collection method: clinical testing. Allele origin: germline.

Women's Health and Genetics/Laboratory Corporation of America, LabCorp
Classification: Likely benign. Last evaluated: 2024-04-14. Review status: criteria provided, single submitter. Criteria: LabCorp Variant Classification Summary - May 2015. Collection method: clinical testing. Allele origin: germline.

GeneDx
Classification: Likely benign. Last evaluated: 2023-11-27. Review status: criteria provided, single submitter. Criteria: GeneDx Variant Classification Process June 2021. Collection method: clinical testing. Allele origin: germline. Affected: yes.
Comment: See Variant Classification Assertion Criteria.

CHEO Genetics Diagnostic Laboratory, Children's Hospital of Eastern Ontario
Classification: Likely benign for Familial thoracic aortic aneurysm and aortic dissection. Last evaluated: 2020-01-17. Review status: criteria provided, single submitter. Criteria: ACMG Guidelines, 2015. Collection method: clinical testing. Allele origin: germline.

Clinical Molecular Genetics Laboratory, Johns Hopkins All Children's Hospital
Classification: Uncertain significance for Congenital heart defects. Last evaluated: 2019-12-06. Review status: criteria provided, single submitter. Criteria: ACMG Guidelines, 2015. Collection method: clinical testing. Allele origin: germline. Inheritance: Autosomal dominant inheritance. Affected: yes. Observed: 1 heterozygote.

Laboratory for Molecular Medicine, Mass General Brigham Personalized Medicine
Classification: Uncertain significance. Last evaluated: 2018-02-14. Review status: criteria provided, single submitter. Criteria: LMM Criteria. Collection method: clinical testing. Allele origin: germline. Observed: 2 variant alleles.
Comment: The p.Pro1390Thr (NM_017617.3 c.4168C>A) variant in NOTCH1 has been reported in 2 individuals with bicuspid aortic valve disease (McKellar 2007 and Girdauskas 2 017), and has been identified in 0.1% (126/117,504) of European chromosomes by t he Genome Aggregation Database (gnomAD; dbSNP rs191645600). It has also been reported in ClinVar (Variation ID#134935). Comput ational prediction tools and conservation analysis do not provide strong support for or against an impact to the protein. In summary, the clinical significance of the p.Pro1390Thr variant is uncertain.

Center for Human Genetics, Inc
Classification: Likely benign for Connective tissue disorder. Last evaluated: 2016-11-01. Review status: criteria provided, single submitter. Criteria: ACMG Guidelines, 2015. Collection method: clinical testing. Allele origin: germline. Affected: yes.

Center for Genomics, Ann and Robert H. Lurie Children's Hospital of Chicago
Classification: Uncertain significance for Adams-Oliver syndrome 5; Aortic valve disease 1. Review status: criteria provided, single submitter. Criteria: ACMG Guidelines, 2015. Collection method: clinical testing. Allele origin: germline.
Comment: NOTCH1 NM_017617.4 exon 25 p.Pro1390Thr (c.4168C>A): This variant has been reported in the literature in two individuals with bicuspid aortic valve and aortic dilation, as well as in one neonate with TOF, pulmonic stenosis, and cryptorchidism (McKellar 2007 PMID:17662764, Girdauskas 2017 PMID:28387797, Ceyhan-Birsoy 2019 PMID:30609409). However, this variant is also present in 0.1% (72/68038) of European alleles in the Genome Aggregation Database, including one homozygote. This variant is present in ClinVar (Variation ID:134935). Evolutionary conservation and computational predictive tools suggest that this variant may impact the protein. In summary, data on this variant is insufficient for disease classification. Therefore, the clinical significance of this variant is uncertain.

PreventionGenetics, part of Exact Sciences
Classification: Likely benign for NOTCH1-related condition. Last evaluated: 2021-09-24. Review status: no assertion criteria provided. Collection method: clinical testing. Allele origin: germline. Not counted in ClinVar's aggregate classification.
Comment: This variant is classified as likely benign based on ACMG/AMP sequence variant interpretation guidelines (Richards et al. 2015 PMID: 25741868, with internal and published modifications).

ITMI
No classification provided. Condition: AllHighlyPenetrant. Last evaluated: 2013-09-19. Review status: no classification provided. Collection method: reference population. Allele origin: germline. Not counted in ClinVar's aggregate classification.
Comment: Please see associated publication for description of ethnicities

Genome Diagnostics Laboratory, Amsterdam University Medical Center
Classification: Benign. Review status: no assertion criteria provided. Collection method: clinical testing. Allele origin: germline. Affected: yes. Study: VKGL Data-share Consensus. Not counted in ClinVar's aggregate classification.

Genome Diagnostics Laboratory, University Medical Center Utrecht
Classification: Likely benign. Review status: no assertion criteria provided. Collection method: clinical testing. Allele origin: germline. Affected: yes. Study: VKGL Data-share Consensus. Not counted in ClinVar's aggregate classification.

Literature cited by the submitters: PubMed 17662764 (cited by Mayo Clinic Laboratories, Mayo Clinic and Laboratory for Molecular Medicine, Mass General Brigham Personalized Medicine); PubMed 28387797 (cited by Mayo Clinic Laboratories, Mayo Clinic and Laboratory for Molecular Medicine, Mass General Brigham Personalized Medicine); PubMed 30609409 (cited by Mayo Clinic Laboratories, Mayo Clinic); PubMed 24728327 (cited by ITMI).